The following is an entry in ClinVar:

ClinVar aggregate classification (germline): Uncertain significance (1 of 4 stars; one submission).

Conditions:
Intellectual developmental disorder with seizures and language delay (IDDSELD). Identifiers: MedGen C5436574, MONDO:0033559, OMIM 619000.

Submission:

Juno Genomics, Hangzhou Juno Genomics, Inc
Classification: Uncertain significance for Intellectual developmental disorder with seizures and language delay. Review status: criteria provided, single submitter. Criteria: ACMG Guidelines, 2015. Collection method: clinical testing. Allele origin: germline. Affected: yes.
Comment: Absent from controls (or at extremely low frequency if recessive) in Genome Aggregation Database, Exome Sequencing Project, 1000 Genomes Project, or Exome Aggregation Consortium.;Protein length changes due to in-frame deletions/insertions in a non-repeat region or stop-loss variants.

NM_001353345.2(SETD1B):c.17_25del (p.Pro6_His8del)

Gene: SETD1B (SET domain containing 1B, histone lysine methyltransferase; plus strand). Cytogenetic location: 12q24.31.
Variant type: Deletion.
Coding change: c.17_25del on transcript NM_001353345.2 (MANE Select); coding-DNA positions 17 to 25, 9 bases deleted (CCCCCCACC; older notation c.17_25delCCCCCCACC).
Protein change: p.Pro6_His8del.
Molecular consequence: inframe deletion.
Genome position (GRCh38, 1-based): chr12:121,804,754-121,804,762, CCCCCCACC deleted; deleting any 9 consecutive bases within chr12:121,804,750-121,804,762 gives the same sequence; the c. name uses the placement nearest the transcript's 3' end. VCF-style (leftmost placement, unchanged base first): chr12-121804749-TCACCCCCCC-T. GRCh37 (hg19) VCF-style: chr12-122242655-TCACCCCCCC-T.
Identifiers: ClinVar variation 3382084 (VCV003382084.2).